The following is an entry in ClinVar:

ClinVar aggregate classification (germline): Likely pathogenic (1 of 4 stars; one submission).

Submission:

Genetics Laboratory, UDIAT-Centre Diagnòstic, Hospital Universitari Parc Tauli
Classification: Likely pathogenic. Last evaluated: 2021-04-26. Review status: criteria provided, single submitter. Criteria: Parc Tauli Hospital Assertion Criteria 2021. Collection method: clinical testing. Allele origin: inherited. Inheritance: Autosomal recessive inheritance. Affected: yes. Observed: 1 homozygote.
Comment: PM1_moderate;PM2_supporting;PM3_supporting;PP2_supporting;PP3_supporting

NM_033343.4(LHX4):c.171T>G (p.Cys57Trp)

Gene: LHX4 (LIM homeobox 4; plus strand). Cytogenetic location: 1q25.2.
Variant type: single nucleotide variant.
Coding change: c.171T>G on transcript NM_033343.4 (MANE Select); coding-DNA position 171, T replaced by G.
Protein change: p.Cys57Trp; replaces cysteine 57 with tryptophan.
Molecular consequence: missense variant.
Genome position (GRCh38, 1-based): chr1:180,248,379, T>G. VCF-style: chr1-180248379-T-G. GRCh37 (hg19) VCF-style: chr1-180217514-T-G.
Other names: short protein forms C57W.
Identifiers: ClinVar variation 1098404 (VCV001098404.2), dbSNP rs2149256470, ClinGen allele CA343592991.